The following is an entry in ClinVar:

ClinVar aggregate classification (germline): Likely pathogenic. Review status: criteria provided, multiple submitters, no conflicts (2 of 4 stars). 4 submissions from 4 submitters: Likely pathogenic (4). Last evaluated 2026-01-24.

Conditions:
Malignant hyperthermia, susceptibility to, 1 (MHS1). Also called: Anesthesia related hyperthermia; Malignant hyperpyrexia; Fulminating hyperpyrexia; Pharmacogenic myopathy; Malignant hyperthermia suceptibility 1; RYR1-Related Malignant Hyperthermia Susceptibility. Identifiers: Orphanet 423, MedGen C2930980, MONDO:0007783, OMIM 145600.
RYR1-related disorder. Also called: RYR1-related condition; RYR1-related disorders. Identifiers: MedGen CN239331.

Allele frequency attached by ClinVar (database versions not stated): TOPMed 0.00002; gnomAD 0.00004 and 0.00005; ExAC 0.00002; gnomAD exomes 0.00002; ESP Exome Variant Server 0.00008.
gnomAD v4.1: 28 of 1,614,018 alleles (0.0017%); highest among the groups gnomAD compares: East Asian, 0.0067%; no homozygotes.

Submissions (4):

Labcorp Genetics (formerly Invitae), Labcorp
Classification: Likely pathogenic for RYR1-related disorder. Last evaluated: 2026-01-24. Review status: criteria provided, single submitter. Criteria: Invitae Variant Classification Sherloc (09022015). Collection method: clinical testing. Allele origin: germline.
Comment: This sequence change replaces arginine, which is basic and polar, with histidine, which is basic and polar, at codon 614 of the RYR1 protein (p.Arg614His). This variant is present in population databases (rs193922772, gnomAD 0.03%). This variant has not been reported in the literature in individuals affected with RYR1-related conditions. ClinVar contains an entry for this variant (Variation ID: 635268). Invitae Evidence Modeling of protein sequence and biophysical properties (such as structural, functional, and spatial information, amino acid conservation, physicochemical variation, residue mobility, and thermodynamic stability) indicates that this missense variant is expected to disrupt RYR1 protein function with a positive predictive value of 95%. This variant disrupts the p.Arg614 amino acid residue in RYR1. Other variant(s) that disrupt this residue have been determined to be pathogenic (PMID: 1774074, 8602662, 10352931, 11493496, 11668625, 12411788). This suggests that this residue is clinically significant, and that variants that disrupt this residue are likely to be disease-causing. In summary, the currently available evidence indicates that the variant is pathogenic, but additional data are needed to prove that conclusively. Therefore, this variant has been classified as Likely Pathogenic.

All of Us Research Program, National Institutes of Health
Classification: Likely pathogenic for Malignant hyperthermia, susceptibility to, 1. Last evaluated: 2023-08-23. Review status: criteria provided, single submitter. Criteria: ACMG Guidelines, 2015. Collection method: clinical testing. Allele origin: germline. Inheritance: Autosomal dominant inheritance. Observed: 1 variant allele, 1 heterozygote.
Comment: This missense variant replaces arginine with histidine at codon 614 of the RYR1 protein. Computational prediction suggests that this variant may have deleterious impact on protein structure and function (internally defined REVEL score threshold >= 0.7, PMID: 27666373). To our knowledge, functional studies have not been reported for this variant. This variant has not been reported in individuals affected with RYR1-related disorders in the literature. This variant has been identified in 7/282870 chromosomes in the general population by the Genome Aggregation Database (gnomAD). Two different missense variants occurring at the same codon, p.Arg614Cys and p.Arg614Leu, are well established as disease-causing variants (ClinVar variation ID: 12964 and 172641), indicating that arginine at this position may be important for RYR2 protein function. Based on the available evidence, this variant is classified as Likely Pathogenic.

This study involves interpretation of variants in research participants for the purpose of population health screening. Participant phenotype was not available at the time of variant classification. Additional details can be found in publication PMID: 35346344, PMCID: PMC8962531

Institute of Human Genetics, University of Leipzig Medical Center
Classification: Likely pathogenic for Malignant hyperthermia, susceptibility to, 1. Last evaluated: 2023-01-04. Review status: criteria provided, single submitter. Criteria: ACMG Guidelines, 2015. Collection method: clinical testing. Allele origin: unknown.
Comment: _x000D_ Criteria applied: PS3_MOD, PS4_MOD, PM2_SUP, PP3

GeneDx
Classification: Likely pathogenic. Last evaluated: 2022-01-07. Review status: criteria provided, single submitter. Criteria: GeneDx Variant Classification Process June 2021. Collection method: clinical testing. Allele origin: germline. Affected: yes.
Comment: Not observed at significant frequency in large population cohorts (gnomAD); In silico analysis supports that this missense variant has a deleterious effect on protein structure/function; Has not been previously published as pathogenic or benign to our knowledge; This variant is associated with the following publications: (PMID: 25989378, 24433488, 19346234, 10484775, 20681998, 17710899, 16163667, 10051009, 9497245, 9334205, 9389851, 22473935)

Literature cited by the submitters: PubMed 1774074 (cited by Labcorp Genetics (formerly Invitae), Labcorp); PubMed 8602662 (cited by Labcorp Genetics (formerly Invitae), Labcorp); PubMed 10352931 (cited by Labcorp Genetics (formerly Invitae), Labcorp); PubMed 11493496 (cited by Labcorp Genetics (formerly Invitae), Labcorp); PubMed 11668625 (cited by Labcorp Genetics (formerly Invitae), Labcorp); PubMed 12411788 (cited by Labcorp Genetics (formerly Invitae), Labcorp).

NM_000540.3(RYR1):c.1841G>A (p.Arg614His)

Gene: RYR1 (ryanodine receptor 1; plus strand). Cytogenetic location: 19q13.2.
Variant type: single nucleotide variant.
Coding change: c.1841G>A on transcript NM_000540.3 (MANE Select); coding-DNA position 1841, G replaced by A.
Protein change: p.Arg614His; replaces arginine 614 with histidine.
Molecular consequence: missense variant.
Genome position (GRCh38, 1-based): chr19:38,457,546, G>A. VCF-style: chr19-38457546-G-A. GRCh37 (hg19) VCF-style: chr19-38948186-G-A.
Other names: c.1841G>A, p.Arg614His (NM_001042723.2); short protein forms R614H.
Identifiers: ClinVar variation 635268 (VCV000635268.14), dbSNP rs193922772, ClinGen allele CA062493.